The following is an entry in ClinVar:

NM_001165963.4(SCN1A):c.5753C>A (p.Ser1918Tyr)

Genes: SCN1A (sodium voltage-gated channel alpha subunit 1; minus strand), LOC102724058 (uncharacterized LOC102724058; plus strand). Cytogenetic location: 2q24.3.
Variant type: single nucleotide variant.
Coding change: c.5753C>A on transcript NM_001165963.4 (MANE Select); coding-DNA position 5753, C replaced by A.
Protein change: p.Ser1918Tyr; replaces serine 1918 with tyrosine.
Molecular consequence: missense variant. On other transcripts: non-coding transcript variant (1).
Genome position (GRCh38, 1-based): chr2:165,991,522, G>T on the plus strand (C>A on the coding strand, the complement: SCN1A is on the minus strand). VCF-style: chr2-165991522-G-T. GRCh37 (hg19) VCF-style: chr2-166848032-G-T.
Other names: c.5669C>A, p.Ser1890Tyr (NM_001165964.3, NM_001353957.2, NM_001353958.2); c.5753C>A, p.Ser1918Tyr (NM_001202435.3, NM_001353948.2); c.5720C>A, p.Ser1907Tyr (NM_001353949.2, NM_001353950.2, NM_001353951.2 and 2 more transcripts); c.5717C>A, p.Ser1906Tyr (NM_001353954.2, NM_001353955.2); c.5666C>A, p.Ser1889Tyr (NM_001353960.2); c.3311C>A, p.Ser1104Tyr (NM_001353961.2); short protein forms S1104Y, S1906Y, S1889Y, S1907Y, S1918Y, S1890Y.
Identifiers: ClinVar variation 943634 (VCV000943634.10), dbSNP rs796053048, ClinGen allele CA349064214.

ClinVar aggregate classification (germline): Uncertain significance (1 of 4 stars; one submission).

Conditions:
Early-infantile DEE. Also called: Early infantile epileptic encephalopathy; Ohtahara syndrome; Early infantile epileptic encephalopathy with suppression bursts. Identifiers: Orphanet 1934, MedGen C0393706, MONDO:0800491.

Allele frequency attached by ClinVar (database versions not stated): gnomAD exomes below 0.00001.
gnomAD v4.1: 1 of 1,613,970 alleles (0.000062%); highest among the groups gnomAD compares: Non-Finnish European, 0.000085%; no homozygotes.

Submission:

Labcorp Genetics (formerly Invitae), Labcorp
Classification: Uncertain significance for Early-infantile DEE. Last evaluated: 2019-10-16. Review status: criteria provided, single submitter. Criteria: Invitae Variant Classification Sherloc (09022015). Collection method: clinical testing. Allele origin: germline.
Comment: This variant is not present in population databases (ExAC no frequency). This variant has not been reported in the literature in individuals with SCN1A-related conditions. This sequence change replaces serine with tyrosine at codon 1918 of the SCN1A protein (p.Ser1918Tyr). The serine residue is highly conserved and there is a large physicochemical difference between serine and tyrosine. Algorithms developed to predict the effect of missense changes on protein structure and function (SIFT, PolyPhen-2, Align-GVGD) all suggest that this variant is likely to be disruptive, but these predictions have not been confirmed by published functional studies and their clinical significance is uncertain. In summary, the available evidence is currently insufficient to determine the role of this variant in disease. Therefore, it has been classified as a Variant of Uncertain Significance.